The following is an entry in ClinVar:

NM_000426.4(LAMA2):c.3635T>G (p.Phe1212Cys)

Gene: LAMA2 (laminin subunit alpha 2; plus strand). Cytogenetic location: 6q22.33.
Variant type: single nucleotide variant.
Coding change: c.3635T>G on transcript NM_000426.4 (MANE Select); coding-DNA position 3635, T replaced by G.
Protein change: p.Phe1212Cys; replaces phenylalanine 1212 with cysteine.
Molecular consequence: missense variant.
Genome position (GRCh38, 1-based): chr6:129,315,555, T>G. VCF-style: chr6-129315555-T-G. GRCh37 (hg19) VCF-style: chr6-129636700-T-G.
Other names: c.3635T>G, p.Phe1212Cys (NM_001079823.2); short protein forms F1212C.
Identifiers: ClinVar variation 834819 (VCV000834819.10), dbSNP rs1219458656, ClinGen allele CA365612839.
Genomic context (GRCh38, chr6:129,315,555, plus strand): 5'-AGACCATTCTACCCCTGGTAGATGAGGCTCTGCAGCACACGACCACCAAGGGCATTGTTT[T>G]TCAACATCCAGAGATTGTTGCCCACATGGACCTGATGAGAGAAGATCTCCATTTGGAACC-3'
Protein context (NP_000417.3, residues 1202-1222): LQHTTTKGIV[Phe1212Cys]QHPEIVAHMD

ClinVar aggregate classification (germline): Uncertain significance. Review status: criteria provided, multiple submitters, no conflicts (2 of 4 stars). 3 submissions from 3 submitters: Uncertain significance (3). Last evaluated 2025-08-04.

Conditions:
Inborn genetic diseases. Identifiers: MedGen C0950123, MeSH D030342.
LAMA2-related muscular dystrophy (LAMA2-RD). Also called: Laminin alpha 2-related dystrophy. Identifiers: MedGen C5679788, MONDO:0100228.

Allele frequency attached by ClinVar (database versions not stated): gnomAD exomes below 0.00001; TOPMed 0.00001.
gnomAD v4.1: 1 of 1,614,208 alleles (0.000062%); highest among the groups gnomAD compares: Admixed American, 0.0017%; no homozygotes.

Submissions (3):

Ambry Genetics
Classification: Uncertain significance for Inborn genetic diseases. Last evaluated: 2025-08-04. Review status: criteria provided, single submitter. Criteria: Ambry Variant Classification Scheme 2023. Collection method: clinical testing. Allele origin: germline.

Revvity Omics, Revvity
Classification: Uncertain significance. Last evaluated: 2022-03-17. Review status: criteria provided, single submitter. Criteria: ACMG Guidelines, 2015. Collection method: clinical testing. Allele origin: germline.

Labcorp Genetics (formerly Invitae), Labcorp
Classification: Uncertain significance for LAMA2-related muscular dystrophy. Last evaluated: 2021-09-01. Review status: criteria provided, single submitter. Criteria: Invitae Variant Classification Sherloc (09022015). Collection method: clinical testing. Allele origin: germline.
Comment: This sequence change replaces phenylalanine with cysteine at codon 1212 of the LAMA2 protein (p.Phe1212Cys). The phenylalanine residue is highly conserved and there is a large physicochemical difference between phenylalanine and cysteine. This variant is not present in population databases (ExAC no frequency). This variant has not been reported in the literature in individuals affected with LAMA2-related conditions. Algorithms developed to predict the effect of missense changes on protein structure and function are either unavailable or do not agree on the potential impact of this missense change (SIFT: "Deleterious"; PolyPhen-2: "Possibly Damaging"; Align-GVGD: "Class C0"). In summary, the available evidence is currently insufficient to determine the role of this variant in disease. Therefore, it has been classified as a Variant of Uncertain Significance.